The following is an entry in ClinVar:

NM_024529.5(CDC73):c.1560G>A (p.Arg520=)

Gene: CDC73 (cell division cycle 73; plus strand). Cytogenetic location: 1q31.2.
Variant type: single nucleotide variant.
Coding change: c.1560G>A on transcript NM_024529.5 (MANE Select); coding-DNA position 1560, G replaced by A.
Protein change: p.Arg520=; no amino-acid change (arginine 520 retained).
Molecular consequence: synonymous variant.
Genome position (GRCh38, 1-based): chr1:193,250,676, G>A. VCF-style: chr1-193250676-G-A. GRCh37 (hg19) VCF-style: chr1-193219806-G-A.
Identifiers: ClinVar variation 953106 (VCV000953106.11), dbSNP rs1487870537, ClinGen allele CA422492640.
Genomic context (GRCh38, chr1:193,250,676, plus strand): 5'-TTATTCTAAAAATTCTAAAATTCCTATAGTCATTATAACCTACCATAATATTTTTTTCAG[G>A]TACATGGTAAAGCATAAATCGCACTTGAGATTCTGAATTATTTGGCTCCTCCATTTCTGG-3'
Protein context (NP_078805.3, residues 510-530): VFLRFWETLD[Arg520=]YMVKHKSHLR

ClinVar aggregate classification (germline): Conflicting classifications of pathogenicity. Review status: criteria provided, conflicting classifications (1 of 4 stars). 2 submissions from 2 submitters: Uncertain significance (1); Likely benign (1). Last evaluated 2025-12-20.

Conditions:
Hereditary cancer-predisposing syndrome. Also called: Tumor predisposition; Hereditary neoplastic syndrome; Neoplastic Syndromes, Hereditary; Hereditary Cancer Syndrome. Identifiers: Orphanet 140162, MedGen C0027672, MeSH D009386, MONDO:0015356.
Parathyroid carcinoma (PRTC). Also called: Parathyroid gland carcinoma; CDC73-Related Parathyroid Carcinoma. Identifiers: Orphanet 143, MedGen C0687150, MONDO:0012004, OMIM 608266, HP:0006780.

Allele frequency attached by ClinVar (database versions not stated): TOPMed below 0.00001; gnomAD exomes 0.00001.
gnomAD v4.1: 10 of 1,605,112 alleles (0.00062%); highest among the groups gnomAD compares: Non-Finnish European, 0.00085%; no homozygotes.

Submissions (2):

Labcorp Genetics (formerly Invitae), Labcorp
Classification: Uncertain significance for Parathyroid carcinoma. Last evaluated: 2025-12-20. Review status: criteria provided, single submitter. Criteria: Invitae Variant Classification Sherloc (09022015). Collection method: clinical testing. Allele origin: germline.
Comment: This sequence change affects codon 520 of the CDC73 mRNA. It is a 'silent' change, meaning that it does not change the encoded amino acid sequence of the CDC73 protein. It affects a nucleotide within the consensus splice site. This variant is present in population databases (no rsID available, gnomAD 0.0009%). This variant has not been reported in the literature in individuals affected with CDC73-related conditions. ClinVar contains an entry for this variant (Variation ID: 953106). Studies have shown that this variant is associated with inconclusive levels of altered splicing (internal data). In summary, the available evidence is currently insufficient to determine the role of this variant in disease. Therefore, it has been classified as a Variant of Uncertain Significance.

Ambry Genetics
Classification: Likely benign for Hereditary cancer-predisposing syndrome. Last evaluated: 2022-05-17. Review status: criteria provided, single submitter. Criteria: Ambry Variant Classification Scheme 2023. Collection method: clinical testing. Allele origin: germline.